The following is an entry in ClinVar:

ClinVar aggregate classification (germline): Benign/Likely benign. Review status: criteria provided, multiple submitters, no conflicts (2 of 4 stars). 3 submissions from 3 submitters: Benign (1); Likely benign (2). Last evaluated 2026-06-16.

Conditions:
Polyps, multiple and recurrent inflammatory fibroid, gastrointestinal. Identifiers: MedGen C5193005, MONDO:0008285, OMIM 175510.
Hereditary cancer-predisposing syndrome. Also called: Neoplastic Syndromes, Hereditary; Hereditary neoplastic syndrome; Hereditary Cancer Syndrome; Tumor predisposition. Identifiers: Orphanet 140162, MedGen C0027672, MeSH D009386, MONDO:0015356.
Gastrointestinal stromal tumor. Also called: Gastrointestinal stromal tumor, somatic; Gastrointestinal stroma tumor. Identifiers: Orphanet 44890, MedGen C0238198, MeSH D046152, MONDO:0011719, OMIM 606764, HP:0100723.

Allele frequency attached by ClinVar (database versions not stated): gnomAD exomes below 0.00001; gnomAD 0.00001; TOPMed 0.00001.
gnomAD v4.1: 2 of 1,613,050 alleles (0.00012%); highest among the groups gnomAD compares: African/African-American, 0.0027%; no homozygotes.

Submissions (3):

Myriad Genetics, Inc.
Classification: Benign for Polyps, multiple and recurrent inflammatory fibroid, gastrointestinal. Last evaluated: 2026-06-16. Review status: criteria provided, single submitter. Criteria: Myriad Autosomal Dominant, Autosomal Recessive and X-Linked Classification Criteria (2023). Collection method: clinical testing. Allele origin: unknown.
Comment: This variant is considered benign. This variant is a silent/synonymous amino acid change and it is not expected to impact splicing.

Labcorp Genetics (formerly Invitae), Labcorp
Classification: Likely benign for Gastrointestinal stromal tumor. Last evaluated: 2025-08-30. Review status: criteria provided, single submitter. Criteria: Invitae Variant Classification Sherloc (09022015). Collection method: clinical testing. Allele origin: germline.

Ambry Genetics
Classification: Likely benign for Hereditary cancer-predisposing syndrome. Last evaluated: 2022-06-24. Review status: criteria provided, single submitter. Criteria: Ambry Variant Classification Scheme 2023. Collection method: clinical testing. Allele origin: germline.

NM_006206.6(PDGFRA):c.555G>T (p.Gly185=)

Gene: PDGFRA (platelet derived growth factor receptor alpha; plus strand). Cytogenetic location: 4q12.
Variant type: single nucleotide variant.
Coding change: c.555G>T on transcript NM_006206.6 (MANE Select); coding-DNA position 555, G replaced by T.
Protein change: p.Gly185=; no amino-acid change (glycine 185 retained).
Molecular consequence: synonymous variant.
Genome position (GRCh38, 1-based): chr4:54,263,854, G>T. VCF-style: chr4-54263854-G-T. GRCh37 (hg19) VCF-style: chr4-55130021-G-T.
Other names: c.555G>T, p.Gly185= (NM_001347827.2, NM_001347829.2); c.630G>T, p.Gly210= (NM_001347828.2); c.594G>T, p.Gly198= (NM_001347830.2).
Identifiers: ClinVar variation 240353 (VCV000240353.15), dbSNP rs878854830, ClinGen allele CA10582231.
Genomic context (GRCh38, chr4:54,263,854, plus strand): 5'-GGGGGTGGTACCTGCCTCCTACGACAGCAGACAGGGCTTTAATGGGACCTTCACTGTAGG[G>T]CCCTATATCTGTGAGGCCACCGTCAAAGGAAAGAAGTTCCAGACCATCCCATTTAATGTT-3'
Protein context (NP_006197.1, residues 175-195): RQGFNGTFTV[Gly185=]PYICEATVKG